The following is an entry in ClinVar:

ClinVar aggregate classification (germline): Uncertain significance (1 of 4 stars; one submission).

Submission:

Labcorp Genetics (formerly Invitae), Labcorp
Classification: Uncertain significance. Last evaluated: 2025-04-16. Review status: criteria provided, single submitter. Criteria: Invitae Variant Classification Sherloc (09022015). Collection method: clinical testing. Allele origin: germline.
Comment: This sequence change falls in intron 1 of the GNPTG gene. It does not directly change the encoded amino acid sequence of the GNPTG protein. It affects a nucleotide within the consensus splice site. This variant is not present in population databases (gnomAD no frequency). This variant has not been reported in the literature in individuals affected with GNPTG-related conditions. ClinVar contains an entry for this variant (Variation ID: 2082859). Variants that disrupt the consensus splice site are a relatively common cause of aberrant splicing (PMID: 17576681, 9536098). Algorithms developed to predict the effect of sequence changes on RNA splicing suggest that this variant may disrupt the consensus splice site. In summary, the available evidence is currently insufficient to determine the role of this variant in disease. Therefore, it has been classified as a Variant of Uncertain Significance.

Literature cited by the submitters: PubMed 17576681; PubMed 9536098.

NM_032520.5(GNPTG):c.52+5G>A

Genes: GNPTG (N-acetylglucosamine-1-phosphate transferase subunit gamma; plus strand), LOC130058158 (ATAC-STARR-seq lymphoblastoid silent region 6972; plus strand). Cytogenetic location: 16p13.3.
Variant type: single nucleotide variant.
Coding change: c.52+5G>A on transcript NM_032520.5 (MANE Select); 5 bases into the intron after coding-DNA position 52, G replaced by A.
Molecular consequence: intron variant.
Genome position (GRCh38, 1-based): chr16:1,352,022, G>A. VCF-style: chr16-1352022-G-A. GRCh37 (hg19) VCF-style: chr16-1402023-G-A.
Identifiers: ClinVar variation 2082859 (VCV002082859.4), dbSNP rs2034692855, ClinGen allele CA2580090422.
Genomic context (GRCh38, chr16:1,352,022, plus strand): 5'-CGCGATGGCGGCGGGGCTGGCGCGGCTCCTGTTGCTCCTCGGGCTCTCGGCCGGCGGTGA[G>A]TGGCCCGGCCGTCCGCGTCCCCAGGCCCCGCGCGCGCTCTGCACCCCGGCCTCCCCGCTC-3'